The following is an entry in ClinVar:

NM_000059.4(BRCA2):c.4263T>C (p.Phe1421=)

Gene: BRCA2 (BRCA2 DNA repair associated; plus strand). Cytogenetic location: 13q13.1.
Variant type: single nucleotide variant.
Coding change: c.4263T>C on transcript NM_000059.4 (MANE Select); coding-DNA position 4263, T replaced by C.
Protein change: p.Phe1421=; no amino-acid change (phenylalanine 1421 retained).
Molecular consequence: synonymous variant.
Genome position (GRCh38, 1-based): chr13:32,338,618, T>C. VCF-style: chr13-32338618-T-C. GRCh37 (hg19) VCF-style: chr13-32912755-T-C.
Identifiers: ClinVar variation 184800 (VCV000184800.22), dbSNP rs786201704, ClinGen allele CA019859.
Genomic context (GRCh38, chr13:32,338,618, plus strand): 5'-TAATACTTCAAATAAAGAACAGTTAACTGCTACTAAAACGGAGCAAAATATAAAAGATTT[T>C]GAGACTTCTGATACATTTTTTCAGACTGCAAGTGGGAAAAATATTAGTGTCGCCAAAGAG-3'
Protein context (NP_000050.3, residues 1411-1431): ATKTEQNIKD[Phe1421=]ETSDTFFQTA

ClinVar aggregate classification (germline): Likely benign. Review status: reviewed by expert panel (3 of 4 stars). 7 submissions from 7 submitters: Likely benign (1). 6 of the submissions do not count toward it. Last evaluated 2017-06-29.

Conditions:
Hereditary cancer-predisposing syndrome. Also called: Tumor predisposition; Hereditary Cancer Syndrome; Hereditary neoplastic syndrome; Neoplastic Syndromes, Hereditary. Identifiers: Orphanet 140162, MedGen C0027672, MeSH D009386, MONDO:0015356.
Hereditary breast ovarian cancer syndrome. Also called: Breast and ovarian cancer; Hereditary breast and ovarian cancer syndrome; Hereditary breast and ovarian cancer; BRCA1- and BRCA2-Associated Hereditary Breast and Ovarian Cancer; Hereditary breast and ovarian cancer syndrome (HBOC); Hereditary breast and/or ovarian cancer syndrome. Identifiers: Orphanet 145, MedGen C0677776, MeSH D061325, MONDO:0003582. Disease mechanism: loss of function.
Breast-ovarian cancer, familial, susceptibility to, 2 (BROVCA2). Also called: BRCA2 Hereditary Breast and Ovarian Cancer. Identifiers: Orphanet 145, MedGen C2675520, MONDO:0012933, OMIM 612555. Disease mechanism: loss of function.

Allele frequency attached by ClinVar (database versions not stated): TOPMed 0.00001.

Submissions (7):

Evidence-based Network for the Interpretation of Germline Mutant Alleles (ENIGMA)
Classification: Likely benign for Breast-ovarian cancer, familial, susceptibility to, 2. Last evaluated: 2017-06-29. Review status: reviewed by expert panel. Criteria: ENIGMA BRCA1/2 Classification Criteria (2017-06-29). Collection method: curation. Allele origin: germline.
Comment: Synonymous substitution variant, with low bioinformatic likelihood to result in a splicing aberration (Splicing prior probability 0.02).

Women's Health and Genetics/Laboratory Corporation of America, LabCorp
Classification: Likely benign. Last evaluated: 2025-09-19. Review status: criteria provided, single submitter. Criteria: LabCorp Variant Classification Summary - May 2015. Collection method: clinical testing. Allele origin: germline. Not counted in ClinVar's aggregate classification.

Labcorp Genetics (formerly Invitae), Labcorp
Classification: Likely benign for Hereditary breast ovarian cancer syndrome. Last evaluated: 2025-08-18. Review status: criteria provided, single submitter. Criteria: Invitae Variant Classification Sherloc (09022015). Collection method: clinical testing. Allele origin: germline. Not counted in ClinVar's aggregate classification.

All of Us Research Program, National Institutes of Health
Classification: Likely benign for Breast-ovarian cancer, familial, susceptibility to, 2. Last evaluated: 2023-05-16. Review status: criteria provided, single submitter. Criteria: ACMG Guidelines, 2015. Collection method: clinical testing. Allele origin: germline. Inheritance: Autosomal dominant inheritance. Observed: 1 variant allele, 1 heterozygote. Not counted in ClinVar's aggregate classification.
Comment: This study involves interpretation of variants in research participants for the purpose of population health screening. Participant phenotype was not available at the time of variant classification. Additional details can be found in publication PMID: 35346344, PMCID: PMC8962531

Color Diagnostics, LLC DBA Color Health
Classification: Likely benign for Hereditary cancer-predisposing syndrome. Last evaluated: 2021-11-16. Review status: criteria provided, single submitter. Criteria: ACMG Guidelines, 2015. Collection method: clinical testing. Allele origin: germline. Not counted in ClinVar's aggregate classification.

Quest Diagnostics Nichols Institute San Juan Capistrano
Classification: Likely benign. Last evaluated: 2021-05-25. Review status: criteria provided, single submitter. Criteria: Quest Diagnostics criteria. Collection method: clinical testing. Allele origin: unknown. Not counted in ClinVar's aggregate classification.

Ambry Genetics
Classification: Likely benign for Hereditary cancer-predisposing syndrome. Last evaluated: 2020-09-01. Review status: criteria provided, single submitter. Criteria: Ambry Variant Classification Scheme 2023. Collection method: clinical testing. Allele origin: germline. Not counted in ClinVar's aggregate classification.